The following is an entry in ClinVar:

ClinVar aggregate classification (germline): Uncertain significance. Review status: criteria provided, multiple submitters, no conflicts (2 of 4 stars). 2 submissions from 2 submitters: Uncertain significance (2). Last evaluated 2025-02-09.

Conditions:
MCM3AP-related disorder. Also called: MCM3AP-related condition.

Allele frequency attached by ClinVar (database versions not stated): gnomAD 0.00003; TOPMed 0.00005; gnomAD exomes 0.00006 and 0.00011; ESP Exome Variant Server 0.00008; ExAC 0.00010.
gnomAD v4.1: 103 of 1,614,038 alleles (0.0064%); highest among the groups gnomAD compares: Middle Eastern, 0.099%; no homozygotes.

Submissions (2):

PreventionGenetics, part of Exact Sciences
Classification: Uncertain significance for MCM3AP-related condition. Last evaluated: 2025-02-09. Review status: criteria provided, single submitter. Criteria: ACMG Guidelines, 2015. Collection method: clinical testing. Allele origin: germline.
Comment: The MCM3AP c.2411C>T variant is predicted to result in the amino acid substitution p.Ala804Val. To our knowledge, this variant has not been reported in the literature in patients with MCM3AP-related disorders. This variant is reported in 0.040% of alleles in individuals of European (Finnish) descent in gnomAD. At this time, the clinical significance of this variant is uncertain due to the absence of conclusive functional and genetic evidence.

Labcorp Genetics (formerly Invitae), Labcorp
Classification: Uncertain significance. Last evaluated: 2024-11-19. Review status: criteria provided, single submitter. Criteria: Invitae Variant Classification Sherloc (09022015). Collection method: clinical testing. Allele origin: germline.
Comment: This sequence change replaces alanine, which is neutral and non-polar, with valine, which is neutral and non-polar, at codon 804 of the MCM3AP protein (p.Ala804Val). This variant is present in population databases (rs369099987, gnomAD 0.03%). This missense change has been observed in individual(s) with colorectal adenomatous polyposis (PMID: 25219767). ClinVar contains an entry for this variant (Variation ID: 1431850). An algorithm developed to predict the effect of missense changes on protein structure and function (PolyPhen-2) suggests that this variant is likely to be disruptive. In summary, the available evidence is currently insufficient to determine the role of this variant in disease. Therefore, it has been classified as a Variant of Uncertain Significance.

Literature cited by the submitters: PubMed 25219767 (cited by Labcorp Genetics (formerly Invitae), Labcorp).

NM_003906.5(MCM3AP):c.2411C>T (p.Ala804Val)

Gene: MCM3AP (minichromosome maintenance complex component 3 associated protein; minus strand). Cytogenetic location: 21q22.3.
Variant type: single nucleotide variant.
Coding change: c.2411C>T on transcript NM_003906.5 (MANE Select); coding-DNA position 2411, C replaced by T.
Protein change: p.Ala804Val; replaces alanine 804 with valine.
Molecular consequence: missense variant.
Genome position (GRCh38, 1-based): chr21:46,272,615, G>A on the plus strand (C>T on the coding strand, the complement: MCM3AP is on the minus strand). VCF-style: chr21-46272615-G-A. GRCh37 (hg19) VCF-style: chr21-47692529-G-A.
Other names: c.2411C>T (NM_003906.4); short protein forms A804V.
Identifiers: ClinVar variation 1431850 (VCV001431850.5), dbSNP rs369099987, ClinGen allele CA10076823.